The following is an entry in ClinVar:

NM_024721.5(ZFHX4):c.3853G>C (p.Val1285Leu)

Gene: ZFHX4 (zinc finger homeobox 4; plus strand). Cytogenetic location: 8q21.13.
Variant type: single nucleotide variant.
Coding change: c.3853G>C on transcript NM_024721.5 (MANE Select); coding-DNA position 3853, G replaced by C.
Protein change: p.Val1285Leu; replaces valine 1285 with leucine.
Molecular consequence: missense variant.
Genome position (GRCh38, 1-based): chr8:76,850,251, G>C. VCF-style: chr8-76850251-G-C. GRCh37 (hg19) VCF-style: chr8-77762487-G-C.
Other names: c.3775G>C, p.Val1259Leu (NM_001410934.1); short protein forms V1259L, V1285L.
Identifiers: ClinVar variation 2636634 (VCV002636634.1), dbSNP rs762294446, ClinGen allele CA4787387.

ClinVar aggregate classification (germline): Uncertain significance (1 of 4 stars; one submission).

Conditions:
ZFHX4-related disorder. Also called: ZFHX4-related condition.

Allele frequency attached by ClinVar (database versions not stated): gnomAD exomes below 0.00001; TOPMed below 0.00001; ExAC 0.00001.
gnomAD v4.1: 2 of 1,611,960 alleles (0.00012%); highest among the groups gnomAD compares: Admixed American, 0.0017%; no homozygotes.

Submission:

PreventionGenetics, part of Exact Sciences
Classification: Uncertain significance for ZFHX4-related condition. Last evaluated: 2022-12-19. Review status: criteria provided, single submitter. Criteria: ACMG Guidelines, 2015. Collection method: clinical testing. Allele origin: germline.
Comment: The ZFHX4 c.3853G>C variant is predicted to result in the amino acid substitution p.Val1285Leu. To our knowledge, this variant has not been reported in the literature. This variant is reported in 0.00090% of alleles in individuals of European (Non-Finnish) descent in gnomAD. At this time, the clinical significance of this variant is uncertain due to the absence of conclusive functional and genetic evidence.